The following is an entry in ClinVar:

ClinVar aggregate classification (germline): Benign/Likely benign. Review status: criteria provided, multiple submitters, no conflicts (2 of 4 stars). 5 submissions from 5 submitters: Benign (1); Likely benign (3). 1 of the submissions does not count toward it. Last evaluated 2025-03-05.

Conditions:
Charcot-Marie-Tooth disease axonal type 2F (CMT2F). Also called: CHARCOT-MARIE-TOOTH DISEASE, NEURONAL, TYPE 2F; Charcot-Marie-Tooth Neuropathy Type 2F. Identifiers: Orphanet 99940, MedGen C1847823, MONDO:0011687, OMIM 606595.
HSPB1-related disorder. Also called: HSPB1-related condition; HSPB1-related disorders.
Inborn genetic diseases. Identifiers: MedGen C0950123, MeSH D030342.

Allele frequency attached by ClinVar (database versions not stated): TOPMed 0.00021.

Submissions (5):

Labcorp Genetics (formerly Invitae), Labcorp
Classification: Likely benign for Charcot-Marie-Tooth disease axonal type 2F. Last evaluated: 2025-03-05. Review status: criteria provided, single submitter. Criteria: Invitae Variant Classification Sherloc (09022015). Collection method: clinical testing. Allele origin: germline.

Athena Diagnostics
Classification: Benign. Last evaluated: 2024-06-24. Review status: criteria provided, single submitter. Criteria: Athena Diagnostics Criteria. Collection method: clinical testing. Allele origin: unknown.

GeneDx
Classification: Likely benign. Last evaluated: 2020-09-11. Review status: criteria provided, single submitter. Criteria: GeneDx Variant Classification Process June 2021. Collection method: clinical testing. Allele origin: germline. Affected: yes.

Ambry Genetics
Classification: Likely benign for Inborn genetic diseases. Last evaluated: 2019-07-11. Review status: criteria provided, single submitter. Criteria: Ambry Variant Classification Scheme 2023. Collection method: clinical testing. Allele origin: germline.

PreventionGenetics, part of Exact Sciences
Classification: Likely benign for HSPB1-related condition. Last evaluated: 2022-08-07. Review status: no assertion criteria provided. Collection method: clinical testing. Allele origin: germline. Not counted in ClinVar's aggregate classification.
Comment: This variant is classified as likely benign based on ACMG/AMP sequence variant interpretation guidelines (Richards et al. 2015 PMID: 25741868, with internal and published modifications).

Literature cited by the submitters: PubMed 25614874 (cited by Athena Diagnostics).

NM_001540.5(HSPB1):c.318G>C (p.Pro106=)

Gene: HSPB1 (heat shock protein family B (small) member 1; plus strand). Cytogenetic location: 7q11.23.
Variant type: single nucleotide variant.
Coding change: c.318G>C on transcript NM_001540.5 (MANE Select); coding-DNA position 318, G replaced by C.
Protein change: p.Pro106=; no amino-acid change (proline 106 retained).
Molecular consequence: synonymous variant.
Genome position (GRCh38, 1-based): chr7:76,303,030, G>C. VCF-style: chr7-76303030-G-C. GRCh37 (hg19) VCF-style: chr7-75932347-G-C.
Other names: c.318G>C (LRG_248t1).
Identifiers: ClinVar variation 382632 (VCV000382632.19), dbSNP rs750349055, ClinGen allele CA4306307.
Genomic context (GRCh38, chr7:76,303,030, plus strand): 5'-GGAGATCCGGCACACTGCGGACCGCTGGCGCGTGTCCCTGGATGTCAACCACTTCGCCCC[G>C]GACGAGCTGACGGTCAAGACCAAGGATGGCGTGGTGGAGATCACCGGTGAGCCCCCCTGC-3'
Protein context (NP_001531.1, residues 96-116): RVSLDVNHFA[Pro106=]DELTVKTKDG